The following is an entry in ClinVar:

NM_000057.4(BLM):c.370A>C (p.Asn124His)

Gene: BLM (BLM RecQ like helicase; plus strand). Cytogenetic location: 15q26.1.
Variant type: single nucleotide variant.
Coding change: c.370A>C on transcript NM_000057.4 (MANE Select); coding-DNA position 370, A replaced by C.
Protein change: p.Asn124His; replaces asparagine 124 with histidine.
Molecular consequence: missense variant. On other transcripts: 5 prime UTR variant (1).
Genome position (GRCh38, 1-based): chr15:90,749,638, A>C. VCF-style: chr15-90749638-A-C. GRCh37 (hg19) VCF-style: chr15-91292868-A-C.
Other names: c.370A>C, p.Asn124His (NM_001287246.2, NM_001287247.2); c.-922A>C (NM_001287248.2); short protein forms N124H.
Identifiers: ClinVar variation 1061478 (VCV001061478.9), dbSNP rs2151147208, ClinGen allele CA393840405.

ClinVar aggregate classification (germline): Uncertain significance (1 of 4 stars; one submission).

Conditions:
Bloom syndrome (BLM). Also called: Bloom-Torre-Machacek syndrome. Identifiers: Orphanet 125, MedGen C0005859, MONDO:0008876, OMIM 210900.

Submission:

Labcorp Genetics (formerly Invitae), Labcorp
Classification: Uncertain significance for Bloom syndrome. Last evaluated: 2020-09-24. Review status: criteria provided, single submitter. Criteria: Invitae Variant Classification Sherloc (09022015). Collection method: clinical testing. Allele origin: germline.
Comment: This sequence change replaces asparagine with histidine at codon 124 of the BLM protein (p.Asn124His). The asparagine residue is weakly conserved and there is a small physicochemical difference between asparagine and histidine. This variant is not present in population databases (ExAC no frequency). This variant has not been reported in the literature in individuals with BLM-related conditions. Algorithms developed to predict the effect of missense changes on protein structure and function (SIFT, PolyPhen-2, Align-GVGD) all suggest that this variant is likely to be tolerated, but these predictions have not been confirmed by published functional studies and their clinical significance is uncertain. In summary, the available evidence is currently insufficient to determine the role of this variant in disease. Therefore, it has been classified as a Variant of Uncertain Significance.